The following is an entry in ClinVar:

ClinVar aggregate classification (germline): Uncertain significance. Review status: criteria provided, multiple submitters, no conflicts (2 of 4 stars). 2 submissions from 2 submitters: Uncertain significance (2). Last evaluated 2024-09-03.

Conditions:
Inborn genetic diseases. Identifiers: MedGen C0950123, MeSH D030342.
Hereditary spastic paraplegia 11. Also called: Spastic paraplegia, mental retardation and thin corpus callosum; Nakamura Osame syndrome; Autosomal recessive hereditary spastic paraplegia, mental impairment, and thin corpus callosum; SPASTIC PARAPLEGIA, AUTOSOMAL RECESSIVE, COMPLICATED, WITH THIN CORPUS CALLOSUM; SPASTIC PARAPLEGIA, AUTOSOMAL RECESSIVE, WITH MENTAL IMPAIRMENT AND THIN CORPUS CALLOSUM; Spastic Paraplegia 11. Identifiers: Orphanet 2822, MedGen C1858479, MONDO:0011445, OMIM 604360.

Allele frequency attached by ClinVar (database versions not stated): gnomAD exomes below 0.00001 and 0.00001; ExAC 0.00002; TOPMed 0.00004; gnomAD 0.00006.

Submissions (2):

Ambry Genetics
Classification: Uncertain significance for Inborn genetic diseases. Last evaluated: 2024-09-03. Review status: criteria provided, single submitter. Criteria: Ambry Variant Classification Scheme 2023. Collection method: clinical testing. Allele origin: germline.

Labcorp Genetics (formerly Invitae), Labcorp
Classification: Uncertain significance for Hereditary spastic paraplegia 11. Last evaluated: 2022-09-19. Review status: criteria provided, single submitter. Criteria: Invitae Variant Classification Sherloc (09022015). Collection method: clinical testing. Allele origin: germline.
Comment: This sequence change replaces threonine, which is neutral and polar, with isoleucine, which is neutral and non-polar, at codon 260 of the SPG11 protein (p.Thr260Ile). This variant is present in population databases (rs750687972, gnomAD 0.02%). This variant has not been reported in the literature in individuals affected with SPG11-related conditions. ClinVar contains an entry for this variant (Variation ID: 934112). Advanced modeling of protein sequence and biophysical properties (such as structural, functional, and spatial information, amino acid conservation, physicochemical variation, residue mobility, and thermodynamic stability) performed at Invitae indicates that this missense variant is not expected to disrupt SPG11 protein function. In summary, the available evidence is currently insufficient to determine the role of this variant in disease. Therefore, it has been classified as a Variant of Uncertain Significance.

NM_025137.4(SPG11):c.779C>T (p.Thr260Ile)

Gene: SPG11 (SPG11 vesicle trafficking associated, spatacsin; minus strand). Cytogenetic location: 15q21.1.
Variant type: single nucleotide variant.
Coding change: c.779C>T on transcript NM_025137.4 (MANE Select); coding-DNA position 779, C replaced by T.
Protein change: p.Thr260Ile; replaces threonine 260 with isoleucine.
Molecular consequence: missense variant.
Genome position (GRCh38, 1-based): chr15:44,657,185, G>A on the plus strand (C>T on the coding strand, the complement: SPG11 is on the minus strand). VCF-style: chr15-44657185-G-A. GRCh37 (hg19) VCF-style: chr15-44949383-G-A.
Other names: c.779C>T, p.Thr260Ile (NM_001160227.2); short protein forms T260I.
Identifiers: ClinVar variation 934112 (VCV000934112.8), dbSNP rs750687972, ClinGen allele CA7535725.